The following is an entry in ClinVar:

NM_001378120.1(MBD5):c.2141A>G (p.His714Arg)

Gene: MBD5 (methyl-CpG binding domain protein 5; plus strand). Cytogenetic location: 2q23.1.
Variant type: single nucleotide variant.
Coding change: c.2141A>G on transcript NM_001378120.1 (MANE Select); coding-DNA position 2141, A replaced by G.
Protein change: p.His714Arg; replaces histidine 714 with arginine.
Molecular consequence: missense variant.
Genome position (GRCh38, 1-based): chr2:148,470,084, A>G. VCF-style: chr2-148470084-A-G. GRCh37 (hg19) VCF-style: chr2-149227653-A-G.
Other names: c.2141A>G, p.His714Arg (NM_001438854.1, NM_001438855.1, NM_001438856.1 and 7 more transcripts); short protein forms H714R.
Identifiers: ClinVar variation 4529960 (VCV004529960.1).
Genomic context (GRCh38, chr2:148,470,084, plus strand): 5'-GTTCATTTCCCATCAGTTCAATGTCTCAGTTACTACAGTCTATGAGTTGTCAAAGCTCTC[A>G]CTTGAGTAGCAATAGTACCCCGGGTTGTGGGGCCTCAAATACTGCTTTGCCTTGCTCTGC-3'
Protein context (NP_001365049.1, residues 704-724): LLQSMSCQSS[His714Arg]LSSNSTPGCG

ClinVar aggregate classification (germline): Uncertain significance (1 of 4 stars; one submission).

Submission:

GeneDx
Classification: Uncertain significance. Last evaluated: 2025-05-15. Review status: criteria provided, single submitter. Criteria: GeneDx Variant Classification Process June 2021. Collection method: clinical testing. Allele origin: germline. Affected: yes.
Comment: Not observed at significant frequency in large population cohorts (gnomAD); In silico analysis suggests that this missense variant does not alter protein structure/function; Has not been previously published as pathogenic or benign to our knowledge